The following is an entry in ClinVar:

ClinVar aggregate classification (germline): Uncertain significance. Review status: criteria provided, multiple submitters, no conflicts (2 of 4 stars). 2 submissions from 2 submitters: Uncertain significance (2). Last evaluated 2025-10-11.

Conditions:
EFTUD2-related disorder. Also called: EFTUD2-related condition.

Allele frequency attached by ClinVar (database versions not stated): gnomAD 0.00001; gnomAD exomes 0.00001; ExAC 0.00004.
gnomAD v4.1: 19 of 1,613,998 alleles (0.0012%); highest among the groups gnomAD compares: Admixed American, 0.01%; no homozygotes.

Submissions (2):

PreventionGenetics, part of Exact Sciences
Classification: Uncertain significance for EFTUD2-related condition. Last evaluated: 2025-10-11. Review status: criteria provided, single submitter. Criteria: ACMG Guidelines, 2015. Collection method: clinical testing. Allele origin: germline.
Comment: The EFTUD2 c.479G>A variant is predicted to result in the amino acid substitution p.Arg160His. To our knowledge, this variant has not been reported in the literature. This variant is reported in 0.014% of alleles in individuals of Latino descent in gnomAD. Although we suspect that this variant may be benign, at this time, the clinical significance of this variant is uncertain due to the absence of conclusive functional and genetic evidence.

Labcorp Genetics (formerly Invitae), Labcorp
Classification: Uncertain significance. Last evaluated: 2023-12-27. Review status: criteria provided, single submitter. Criteria: Invitae Variant Classification Sherloc (09022015). Collection method: clinical testing. Allele origin: germline.
Comment: This sequence change replaces arginine, which is basic and polar, with histidine, which is basic and polar, at codon 160 of the EFTUD2 protein (p.Arg160His). This variant is present in population databases (rs780541299, gnomAD 0.01%). This variant has not been reported in the literature in individuals affected with EFTUD2-related conditions. Advanced modeling of protein sequence and biophysical properties (such as structural, functional, and spatial information, amino acid conservation, physicochemical variation, residue mobility, and thermodynamic stability) performed at Invitae indicates that this missense variant is not expected to disrupt EFTUD2 protein function with a negative predictive value of 80%. In summary, the available evidence is currently insufficient to determine the role of this variant in disease. Therefore, it has been classified as a Variant of Uncertain Significance.

NM_004247.4(EFTUD2):c.479G>A (p.Arg160His)

Gene: EFTUD2 (elongation factor Tu GTP binding domain containing 2; minus strand). Cytogenetic location: 17q21.31.
Variant type: single nucleotide variant.
Coding change: c.479G>A on transcript NM_004247.4 (MANE Select); coding-DNA position 479, G replaced by A.
Protein change: p.Arg160His; replaces arginine 160 with histidine.
Molecular consequence: missense variant.
Genome position (GRCh38, 1-based): chr17:44,883,106, C>T on the plus strand (G>A on the coding strand, the complement: EFTUD2 is on the minus strand). VCF-style: chr17-44883106-C-T. GRCh37 (hg19) VCF-style: chr17-42960474-C-T.
Other names: c.479G>A (NM_004247.3); c.374G>A, p.Arg125His (NM_001142605.2); c.479G>A, p.Arg160His (NM_001258353.2); c.449G>A, p.Arg150His (NM_001258354.2); short protein forms R125H, R150H, R160H.
Identifiers: ClinVar variation 2716735 (VCV002716735.2), dbSNP rs780541299, ClinGen allele CA8608086.